The following is an entry in ClinVar:

ClinVar aggregate classification (germline): Likely benign (1 of 4 stars; one submission).

Conditions:
Hyper-IgE syndrome 6, autosomal dominant, with recurrent infections (HIES6). Identifiers: MedGen C5848786, MONDO:0957807, OMIM 620532.

Submission:

Centre for Medical Genetics,  Mumbai
Classification: Likely benign for Hyper-IgE syndrome 6, autosomal dominant, with recurrent infections. Last evaluated: 2026-04-20. Review status: criteria provided, single submitter. Criteria: ACMG Guidelines, 2015. Collection method: provider interpretation. Allele origin: germline. Inheritance: Autosomal dominant inheritance. Affected: no. Observed: 1 variant allele, 1 heterozygote.
Comment: The variant satisfies PM2 criteria - extremely low frequency in gnomAD population databases. The variant satisfies BP4 criteria - for a missense or a splice region variant, computational prediction tools unanimously support a benign effect on the gene. However, the variant satisfies BS2 criteria - present in heterozygous state in an individual that clinically does not have hyper-IgE syndrome.

Literature cited by the submitters: PubMed 36884218.

NM_003153.5(STAT6):c.527G>A (p.Ser176Asn)

Gene: STAT6 (signal transducer and activator of transcription 6; minus strand). Cytogenetic location: 12q13.3.
Variant type: single nucleotide variant.
Coding change: c.527G>A on transcript NM_003153.5 (MANE Select); coding-DNA position 527, G replaced by A.
Protein change: p.Ser176Asn; replaces serine 176 with asparagine.
Molecular consequence: missense variant. On other transcripts: non-coding transcript variant (1).
Genome position (GRCh38, 1-based): chr12:57,106,532, C>T on the plus strand (G>A on the coding strand, the complement: STAT6 is on the minus strand). VCF-style: chr12-57106532-C-T. GRCh37 (hg19) VCF-style: chr12-57500315-C-T.
Other names: c.527G>A, p.Ser176Asn (NM_001178078.2, NM_001178079.2); c.197G>A, p.Ser66Asn (NM_001178080.2, NM_001178081.2); short protein forms S176N, S66N.
Identifiers: ClinVar variation 4851556 (VCV004851556.1).
Genomic context (GRCh38, chr12:57,106,532, plus strand): 5'-TCCATCCCTCCAGCTGCACTTTGACCAAGGTCTCCACCTGTCAGCCCATTACTCACCTCA[C>T]TTGGCCCAGTCCCATTAGCAGGAGTTTCTATCAAGCTGTGCAGAGACACTGAGGGTTGGG-3'
Protein context (NP_003144.3, residues 166-186): IETPANGTGP[Ser176Asn]EALAMLLQET